The following is an entry in ClinVar:

NM_001305581.2(LRMDA):c.477G>A (p.Ala159=)

Gene: LRMDA (leucine rich melanocyte differentiation associated; plus strand). Cytogenetic location: 10q22.3.
Variant type: single nucleotide variant.
Coding change: c.477G>A on transcript NM_001305581.2 (MANE Select); coding-DNA position 477, G replaced by A.
Protein change: p.Ala159=; no amino-acid change (alanine 159 retained).
Molecular consequence: synonymous variant. On other transcripts: non-coding transcript variant (1).
Genome position (GRCh38, 1-based): chr10:76,058,744, G>A. VCF-style: chr10-76058744-G-A. GRCh37 (hg19) VCF-style: chr10-77818502-G-A.
Other names: c.393G>A, p.Ala131= (NM_032024.5).
Identifiers: ClinVar variation 721937 (VCV000721937.12), dbSNP rs368355372, ClinGen allele CA5567628.

ClinVar aggregate classification (germline): Benign. Review status: criteria provided, single submitter (1 of 4 stars). 2 submissions from 2 submitters: Benign (1). 1 of the submissions does not count toward it. Last evaluated 2026-01-06.

Conditions:
LRMDA-related disorder. Also called: LRMDA-related condition.

Allele frequency attached by ClinVar (database versions not stated): ESP Exome Variant Server 0.00015; gnomAD 0.00016 and 0.00021; TOPMed 0.00017; gnomAD exomes 0.00032; ExAC 0.00042; 1000 Genomes Project 0.00080; 1000 Genomes Project 30x 0.00109.
gnomAD v4.1: 410 of 1,614,146 alleles (0.025%); highest among the groups gnomAD compares: East Asian, 0.52%; 3 homozygotes.

Submissions (2):

Labcorp Genetics (formerly Invitae), Labcorp
Classification: Benign. Last evaluated: 2026-01-06. Review status: criteria provided, single submitter. Criteria: Invitae Variant Classification Sherloc (09022015). Collection method: clinical testing. Allele origin: germline.

PreventionGenetics, part of Exact Sciences
Classification: Likely benign for LRMDA-related condition. Last evaluated: 2020-01-23. Review status: no assertion criteria provided. Collection method: clinical testing. Allele origin: germline. Not counted in ClinVar's aggregate classification.
Comment: This variant is classified as likely benign based on ACMG/AMP sequence variant interpretation guidelines (Richards et al. 2015 PMID: 25741868, with internal and published modifications).